The following is an entry in ClinVar:

NM_001267550.2(TTN):c.60491T>A (p.Val20164Glu)

Genes: TTN (titin; minus strand), TTN-AS1 (TTN antisense RNA 1; plus strand). Cytogenetic location: 2q31.2.
Variant type: single nucleotide variant.
Coding change: c.60491T>A on transcript NM_001267550.2 (MANE Select); coding-DNA position 60491, T replaced by A.
Protein change: p.Val20164Glu; replaces valine 20164 with glutamic acid.
Molecular consequence: missense variant. On other transcripts: non-coding transcript variant (1).
Genome position (GRCh38, 1-based): chr2:178,591,234, A>T on the plus strand (T>A on the coding strand, the complement: TTN is on the minus strand). VCF-style: chr2-178591234-A-T. GRCh37 (hg19) VCF-style: chr2-179455961-A-T.
Other names: p.V18523E:GTA>GAA; c.55568T>A, p.Val18523Glu (NM_001256850.1); c.33296T>A, p.Val11099Glu (NM_003319.4); c.52787T>A, p.Val17596Glu (NM_133378.4); c.33671T>A, p.Val11224Glu (NM_133432.3); c.33872T>A, p.Val11291Glu (NM_133437.4); short protein forms V18523E, V20164E, V17596E, V11291E, V11224E, V11099E.
Identifiers: ClinVar variation 202752 (VCV000202752.6), dbSNP rs794729467, ClinGen allele CA310176.

ClinVar aggregate classification (germline): Uncertain significance. Review status: criteria provided, multiple submitters, no conflicts (2 of 4 stars). 4 submissions from 4 submitters: Uncertain significance (4). Last evaluated 2026-06-30.

Conditions:
TTN-related disorder. Also called: TTN-related condition; TTN-related disease; TTN-related disorders.
Cardiovascular phenotype. Identifiers: MedGen CN230736.

Allele frequency attached by ClinVar (database versions not stated): gnomAD exomes below 0.00001; gnomAD 0.00002; TOPMed 0.00006.
gnomAD v4.1: 6 of 1,613,294 alleles (0.00037%); highest among the groups gnomAD compares: African/African-American, 0.0067%; no homozygotes.

Submissions (4):

PreventionGenetics, part of Exact Sciences
Classification: Uncertain significance for TTN-related condition. Last evaluated: 2026-06-30. Review status: criteria provided, single submitter. Criteria: ACMG Guidelines, 2015. Collection method: clinical testing. Allele origin: germline.
Comment: The TTN c.60491T>A variant is predicted to result in the amino acid substitution p.Val20164Glu. To our knowledge, this variant has not been reported in the literature. This variant is reported in 0.0083% of alleles in individuals of African descent in gnomAD. At this time, the clinical significance of this variant is uncertain due to the absence of conclusive functional and genetic evidence.

Women's Health and Genetics/Laboratory Corporation of America, LabCorp
Classification: Uncertain significance. Last evaluated: 2025-02-10. Review status: criteria provided, single submitter. Criteria: LabCorp Variant Classification Summary - May 2015. Collection method: clinical testing. Allele origin: germline.

Ambry Genetics
Classification: Uncertain significance for Cardiovascular phenotype. Last evaluated: 2020-09-16. Review status: criteria provided, single submitter. Criteria: Ambry Variant Classification Scheme 2023. Collection method: clinical testing. Allele origin: germline.
Comment: The p.V11099E variant (also known as c.33296T>A), located in coding exon 131 of the TTN gene, results from a T to A substitution at nucleotide position 33296. The valine at codon 11099 is replaced by glutamic acid, an amino acid with dissimilar properties. This amino acid position is not well conserved in available vertebrate species. In addition, the in silico prediction for this alteration is inconclusive. Since supporting evidence is limited at this time, the clinical significance of this alteration remains unclear.

GeneDx
Classification: Uncertain significance. Last evaluated: 2013-06-11. Review status: criteria provided, single submitter. Criteria: GeneDx Variant Classification (06012015). Collection method: clinical testing. Allele origin: germline. Affected: yes.
Comment: Missense variants in the TTN gene are considered 'unclassified' if they are not previously reported in the literature and do not have >1% frequency in the population to be considered a polymorphism. Research indicates that truncating mutations in the TTN gene are expected to account for approximately 25% of familial and 18% of sporadic idiopathic DCM; however, truncating variants in the TTN gene have been reported in approximately 3% of reported control alleles. There has been little investigation into non-truncating variants. (Herman D et al. Truncations of titin causing dilated cardiomyopathy. N Eng J Med 366:619-628, 2012) The variant is found in DCM panel(s).